The following is an entry in ClinVar:

ClinVar aggregate classification (germline): Uncertain significance (1 of 4 stars; one submission).

Conditions:
Peroxisome biogenesis disorder. Identifiers: Orphanet 79189, MedGen C1832200, MONDO:0019234. Disease mechanism: loss of function.

Allele frequency attached by ClinVar (database versions not stated): TOPMed below 0.00001; gnomAD exomes 0.00001.
gnomAD v4.1: 3 of 1,517,362 alleles (0.0002%); highest among the groups gnomAD compares: Non-Finnish European, 0.00026%; no homozygotes.

Submission:

Labcorp Genetics (formerly Invitae), Labcorp
Classification: Uncertain significance for Peroxisome biogenesis disorder. Last evaluated: 2022-04-06. Review status: criteria provided, single submitter. Criteria: Invitae Variant Classification Sherloc (09022015). Collection method: clinical testing. Allele origin: germline.
Comment: This sequence change replaces tryptophan, which is neutral and slightly polar, with arginine, which is basic and polar, at codon 105 of the PEX6 protein (p.Trp105Arg). This variant is present in population databases (no rsID available, gnomAD 0.002%). This variant has not been reported in the literature in individuals affected with PEX6-related conditions. Algorithms developed to predict the effect of missense changes on protein structure and function are either unavailable or do not agree on the potential impact of this missense change (SIFT: "Deleterious"; PolyPhen-2: "Probably Damaging"; Align-GVGD: "Class C0"). In summary, the available evidence is currently insufficient to determine the role of this variant in disease. Therefore, it has been classified as a Variant of Uncertain Significance.

NM_000287.4(PEX6):c.313T>C (p.Trp105Arg)

Gene: PEX6 (peroxisomal biogenesis factor 6; minus strand). Cytogenetic location: 6p21.1.
Variant type: single nucleotide variant.
Coding change: c.313T>C on transcript NM_000287.4 (MANE Select); coding-DNA position 313, T replaced by C.
Protein change: p.Trp105Arg; replaces tryptophan 105 with arginine.
Molecular consequence: missense variant. On other transcripts: non-coding transcript variant (1).
Genome position (GRCh38, 1-based): chr6:42,978,838, A>G on the plus strand (T>C on the coding strand, the complement: PEX6 is on the minus strand). VCF-style: chr6-42978838-A-G. GRCh37 (hg19) VCF-style: chr6-42946576-A-G.
Other names: c.313T>C, p.Trp105Arg (NM_001316313.2); short protein forms W105R.
Identifiers: ClinVar variation 2122143 (VCV002122143.1), dbSNP rs1455060721, ClinGen allele CA364167214.